The following is an entry in ClinVar:

NM_001042492.3(NF1):c.3179A>G (p.Asp1060Gly)

Gene: NF1 (neurofibromin 1; plus strand). Cytogenetic location: 17q11.2.
Variant type: single nucleotide variant.
Coding change: c.3179A>G on transcript NM_001042492.3 (MANE Select); coding-DNA position 3179, A replaced by G.
Protein change: p.Asp1060Gly; replaces aspartic acid 1060 with glycine.
Molecular consequence: missense variant.
Genome position (GRCh38, 1-based): chr17:31,230,907, A>G. VCF-style: chr17-31230907-A-G. GRCh37 (hg19) VCF-style: chr17-29557925-A-G.
Other names: c.3179A>G, p.Asp1060Gly (NM_000267.4); short protein forms D1060G.
Identifiers: ClinVar variation 843728 (VCV000843728.6), dbSNP rs1597717664, ClinGen allele CA398988226.

ClinVar aggregate classification (germline): Uncertain significance (1 of 4 stars; one submission).

Conditions:
Neurofibromatosis, type 1 (NF1). Also called: Peripheral type neurofibromatosis; VON RECKLINGHAUSEN DISEASE; Neurofibromatosis, type I; NEUROFIBROMATOSIS, TYPE I, SOMATIC. Identifiers: Orphanet 636, MedGen C0027831, MONDO:0018975, OMIM 162200. Disease mechanism: loss of function.

Submission:

Labcorp Genetics (formerly Invitae), Labcorp
Classification: Uncertain significance for Neurofibromatosis, type 1. Last evaluated: 2019-11-26. Review status: criteria provided, single submitter. Criteria: Invitae Variant Classification Sherloc (09022015). Collection method: clinical testing. Allele origin: germline.
Comment: This sequence change replaces aspartic acid with glycine at codon 1060 of the NF1 protein (p.Asp1060Gly). The aspartic acid residue is moderately conserved and there is a moderate physicochemical difference between aspartic acid and glycine. This variant is not present in population databases (ExAC no frequency). In summary, the available evidence is currently insufficient to determine the role of this variant in disease. Therefore, it has been classified as a Variant of Uncertain Significance. Algorithms developed to predict the effect of missense changes on protein structure and function are either unavailable or do not agree on the potential impact of this missense change (SIFT: "Tolerated"; PolyPhen-2: "Probably Damaging"; Align-GVGD: "Class C0"). This variant has been reported in individuals in the Leiden Open-source Variation Database (PMID: 21520333).

Literature cited by the submitters: PubMed 21520333.